The following is an entry in ClinVar:

ClinVar aggregate classification (germline): Pathogenic (1 of 4 stars; one submission).

Conditions:
Primary ciliary dyskinesia. Also called: Ciliary dyskinesia. Identifiers: Orphanet 244, MedGen C0008780, MONDO:0016575, HP:0012265.

Submission:

Labcorp Genetics (formerly Invitae), Labcorp
Classification: Pathogenic for Primary ciliary dyskinesia. Last evaluated: 2023-11-27. Review status: criteria provided, single submitter. Criteria: Invitae Variant Classification Sherloc (09022015). Collection method: clinical testing. Allele origin: germline.
Comment: This sequence change creates a premature translational stop signal (p.Glu795Glyfs*39) in the RPGR (ORF15) gene. While this is not anticipated to result in nonsense mediated decay, it is expected to disrupt the last 358 amino acid(s) of the RPGR (ORF15) protein. This variant is not present in population databases (gnomAD no frequency). This variant has not been reported in the literature in individuals affected with RPGR (ORF15)-related conditions. ClinVar contains an entry for this variant (Variation ID: 2089812). This variant disrupts a region of the RPGR (ORF15) protein in which other variant(s) (p.Leu1130Lysfs*13) have been determined to be pathogenic (PMID: 22264887; Invitae). This suggests that this is a clinically significant region of the protein, and that variants that disrupt it are likely to be disease-causing. For these reasons, this variant has been classified as Pathogenic.

Literature cited by the submitters: PubMed 22264887.

NM_001034853.2(RPGR):c.2384_2385del (p.Glu795fs)

Gene: RPGR (retinitis pigmentosa GTPase regulator; minus strand). Cytogenetic location: Xp11.4.
Variant type: Microsatellite.
Coding change: c.2384_2385del on transcript NM_001034853.2 (MANE Select); coding-DNA positions 2384 to 2385, 2 bases deleted (AG; older notation c.2384_2385delAG).
Protein change: p.Glu795fs; shifts the reading frame from glutamic acid 795.
Molecular consequence: frameshift variant. On other transcripts: intron variant (8).
Genome position (GRCh38, 1-based): chrX:38,286,614-38,286,615, CT deleted on the plus strand (AG on the coding strand, the reverse complement: RPGR is on the minus strand); deleting any 2 consecutive bases within chrX:38,286,614-38,286,618 gives the same sequence; the c. name uses the placement nearest the transcript's 3' end. VCF-style (leftmost placement, unchanged base first): chrX-38286613-CCT-C. GRCh37 (hg19) VCF-style: chrX-38145866-CCT-C.
Other names: c.1569+4344_1569+4345del (NM_001367249.1, NM_001367250.1); c.1902+479_1902+480del (NM_001367245.1); c.1386+4344_1386+4345del (NM_001367251.1); c.1719+479_1719+480del (NM_001367246.1); c.1572+4344_1572+4345del (NM_001367247.1); c.1905+479_1905+480del (NM_000328.3); c.1602+4344_1602+4345del (NM_001367248.1); short protein forms E795fs.
Identifiers: ClinVar variation 2089812 (VCV002089812.4), dbSNP rs2519791486, ClinGen allele CA2580616985.